The following is an entry in ClinVar:

ClinVar aggregate classification (germline): Likely benign (0 of 4 stars; one submission).

Conditions:
SETX-related disorder. Also called: SETX-related condition; SETX-related disorders. Identifiers: MedGen CN239403.

gnomAD v4.1: 20 of 1,614,104 alleles (0.0012%); highest among the groups gnomAD compares: East Asian, 0.0022%; no homozygotes.

Submission:

PreventionGenetics, part of Exact Sciences
Classification: Likely benign for SETX-related condition. Last evaluated: 2023-12-31. Review status: no assertion criteria provided. Collection method: clinical testing. Allele origin: germline.
Comment: This variant is classified as likely benign based on ACMG/AMP sequence variant interpretation guidelines (Richards et al. 2015 PMID: 25741868, with internal and published modifications).

NM_015046.7(SETX):c.7251C>T (p.Tyr2417=)

Genes: SETX (senataxin; minus strand), LOC126860782 (P300/CBP strongly-dependent group 1 enhancer GRCh37_chr9:135144739-135145938; plus strand). Cytogenetic location: 9q34.13.
Variant type: single nucleotide variant.
Coding change: c.7251C>T on transcript NM_015046.7 (MANE Select); coding-DNA position 7251, C replaced by T.
Protein change: p.Tyr2417=; no amino-acid change (tyrosine 2417 retained).
Molecular consequence: synonymous variant.
Genome position (GRCh38, 1-based): chr9:132,269,651, G>A on the plus strand (C>T on the coding strand, the complement: SETX is on the minus strand). VCF-style: chr9-132269651-G-A. GRCh37 (hg19) VCF-style: chr9-135145038-G-A.
Other names: c.7251C>T, p.Tyr2417= (NM_001351527.2, NM_001351528.2).
Identifiers: ClinVar variation 3354634 (VCV003354634.1).
Genomic context (GRCh38, chr9:132,269,651, plus strand): 5'-ACTTCTGAGCTCTCTGGTACCTACCATCAGGGTCCTCAAATGTCCGAGGATGAAGAGGCT[G>A]TACTTGGCTCGTGTGATGGTGACATTCAATCTCTGCAAACTTGCCAGGAATCTAGGCAAT-3'
Protein context (NP_055861.3, residues 2407-2427): RLNVTITRAK[Tyr2417=]SLFILGHLRT